The following is an entry in ClinVar:

NM_005422.4(TECTA):c.2349C>G (p.Ile783Met)

Genes: TBCEL-TECTA (TBCEL-TECTA readthrough; plus strand), TECTA (tectorin alpha; plus strand). Cytogenetic location: 11q23.3.
Variant type: single nucleotide variant.
Coding change: c.2349C>G on transcript NM_005422.4 (MANE Select); coding-DNA position 2349, C replaced by G.
Protein change: p.Ile783Met; replaces isoleucine 783 with methionine.
Molecular consequence: missense variant.
Genome position (GRCh38, 1-based): chr11:121,128,326, C>G. VCF-style: chr11-121128326-C-G. GRCh37 (hg19) VCF-style: chr11-120999035-C-G.
Other names: c.3306C>G, p.Ile1102Met (NM_001378761.1); short protein forms I1102M, I783M.
Identifiers: ClinVar variation 3391682 (VCV003391682.1).

ClinVar aggregate classification (germline): Uncertain significance (1 of 4 stars; one submission).

gnomAD v4.1: 1 of 1,599,576 alleles (0.000063%); highest among the groups gnomAD compares: Non-Finnish European, 0.000085%; no homozygotes.

Submission:

GeneDx
Classification: Uncertain significance. Last evaluated: 2024-06-18. Review status: criteria provided, single submitter. Criteria: GeneDx Variant Classification Process June 2021. Collection method: clinical testing. Allele origin: germline. Affected: yes.
Comment: Not observed at significant frequency in large population cohorts (gnomAD); In silico analysis indicates that this missense variant does not alter protein structure/function; Has not been previously published as pathogenic or benign to our knowledge; Located in the von Willebrand factor type D2 (VWFD2) region of the zonadhesin (ZA) domain (PMID: 21520338, 31554319, 9590290); This variant is associated with the following publications: (PMID: 21520338, 31554319, 9590290)